The following is an entry in ClinVar:

ClinVar aggregate classification (germline): Likely benign (0 of 4 stars; one submission).

Conditions:
BVES-related disorder. Also called: BVES-related condition.

Allele frequency attached by ClinVar (database versions not stated): TOPMed below 0.00001.
gnomAD v4.1: 1 of 1,609,492 alleles (0.000062%); highest among the groups gnomAD compares: Admixed American, 0.0017%; no homozygotes.

Submission:

PreventionGenetics, part of Exact Sciences
Classification: Likely benign for BVES-related condition. Last evaluated: 2019-07-15. Review status: no assertion criteria provided. Collection method: clinical testing. Allele origin: germline.
Comment: This variant is classified as likely benign based on ACMG/AMP sequence variant interpretation guidelines (Richards et al. 2015 PMID: 25741868, with internal and published modifications).

NM_001199563.2(POPDC1):c.649-4G>A

Gene: POPDC1 (popeye domain cAMP effector 1; minus strand). Cytogenetic location: 6q21.
Variant type: single nucleotide variant.
Coding change: c.649-4G>A on transcript NM_001199563.2 (MANE Select); 4 bases into the intron before coding-DNA position 649, G replaced by A.
Molecular consequence: intron variant.
Genome position (GRCh38, 1-based): chr6:105,116,872, C>T on the plus strand (G>A on the coding strand, the complement: POPDC1 is on the minus strand). VCF-style: chr6-105116872-C-T. GRCh37 (hg19) VCF-style: chr6-105564747-C-T.
Other names: c.649-4G>A (NM_007073.4, NM_147147.4).
Identifiers: ClinVar variation 3049414 (VCV003049414.2), dbSNP rs1368911181, ClinGen allele CA569565699.